The following is an entry in ClinVar:

ClinVar aggregate classification (germline): Uncertain significance. Review status: criteria provided, multiple submitters, no conflicts (2 of 4 stars). 2 submissions from 2 submitters: Uncertain significance (2). Last evaluated 2025-04-23.

Allele frequency attached by ClinVar (database versions not stated): gnomAD exomes 0.00001; ExAC 0.00002; ESP Exome Variant Server 0.00008; gnomAD 0.00008; TOPMed 0.00012.
gnomAD v4.1: 31 of 1,613,810 alleles (0.0019%); highest among the groups gnomAD compares: African/African-American, 0.037%; no homozygotes.

Submissions (2):

Labcorp Genetics (formerly Invitae), Labcorp
Classification: Uncertain significance. Last evaluated: 2025-04-23. Review status: criteria provided, single submitter. Criteria: Invitae Variant Classification Sherloc (09022015). Collection method: clinical testing. Allele origin: germline.
Comment: This sequence change replaces threonine, which is neutral and polar, with isoleucine, which is neutral and non-polar, at codon 535 of the GEN1 protein (p.Thr535Ile). This variant is present in population databases (rs370271129, gnomAD 0.05%). This variant has not been reported in the literature in individuals affected with GEN1-related conditions. ClinVar contains an entry for this variant (Variation ID: 2073901). An algorithm developed to predict the effect of missense changes on protein structure and function (PolyPhen-2) suggests that this variant is likely to be tolerated. In summary, the available evidence is currently insufficient to determine the role of this variant in disease. Therefore, it has been classified as a Variant of Uncertain Significance.

Ambry Genetics
Classification: Uncertain significance. Last evaluated: 2024-12-12. Review status: criteria provided, single submitter. Criteria: Ambry Variant Classification Scheme 2023. Collection method: clinical testing. Allele origin: germline.
Comment: The p.T535I variant (also known as c.1604C>T), located in coding exon 13 of the GEN1 gene, results from a C to T substitution at nucleotide position 1604. The threonine at codon 535 is replaced by isoleucine, an amino acid with similar properties. This amino acid position is conserved. In addition, this alteration is predicted to be tolerated by in silico analysis. Based on the available evidence, the clinical significance of this variant remains unclear.

NM_001130009.3(GEN1):c.1604C>T (p.Thr535Ile)

Gene: GEN1 (GEN1 structure-specific endonuclease; plus strand). Cytogenetic location: 2p24.2.
Variant type: single nucleotide variant.
Coding change: c.1604C>T on transcript NM_001130009.3 (MANE Select); coding-DNA position 1604, C replaced by T.
Protein change: p.Thr535Ile; replaces threonine 535 with isoleucine.
Molecular consequence: missense variant.
Genome position (GRCh38, 1-based): chr2:17,780,816, C>T. VCF-style: chr2-17780816-C-T. GRCh37 (hg19) VCF-style: chr2-17962083-C-T.
Other names: c.1604C>T (NM_001130009.1); c.1604C>T, p.Thr535Ile (NM_182625.5); short protein forms T535I.
Identifiers: ClinVar variation 2073901 (VCV002073901.5), dbSNP rs370271129, ClinGen allele CA1540799.